The following is an entry in ClinVar:

NM_001012720.2(RGR):c.431C>T (p.Ala144Val)

Gene: RGR (retinal G protein coupled receptor; plus strand). Cytogenetic location: 10q23.1.
Variant type: single nucleotide variant.
Coding change: c.431C>T on transcript NM_001012720.2 (MANE Select); coding-DNA position 431, C replaced by T.
Protein change: p.Ala144Val; replaces alanine 144 with valine.
Molecular consequence: missense variant.
Genome position (GRCh38, 1-based): chr10:84,252,929, C>T. VCF-style: chr10-84252929-C-T. GRCh37 (hg19) VCF-style: chr10-86012685-C-T.
Other names: c.431C>T, p.Ala144Val (NM_001012722.2); c.443C>T, p.Ala148Val (NM_002921.4); short protein forms A144V, A148V.
Identifiers: ClinVar variation 1414604 (VCV001414604.6), dbSNP rs748049582, ClinGen allele CA5581437.
Genomic context (GRCh38, chr10:84,252,929, plus strand): 5'-CCTGGAACTCAGCCGTCTCTCTGGTGCTCTTCGTGTGGCTGTCTTCTGCCTTCTGGGCAG[C>T]TCTGCCCCTTCTGGGTTGGGGTCACTACGACTATGAGCCACTGGGGACATGCTGCACCCT-3'
Protein context (NP_001012738.1, residues 134-154): FVWLSSAFWA[Ala144Val]LPLLGWGHYD

ClinVar aggregate classification (germline): Uncertain significance (1 of 4 stars; one submission).

Allele frequency attached by ClinVar (database versions not stated): gnomAD exomes below 0.00001; ExAC 0.00001.

Submission:

Labcorp Genetics (formerly Invitae), Labcorp
Classification: Uncertain significance. Last evaluated: 2022-09-01. Review status: criteria provided, single submitter. Criteria: Invitae Variant Classification Sherloc (09022015). Collection method: clinical testing. Allele origin: germline.
Comment: This sequence change replaces alanine, which is neutral and non-polar, with valine, which is neutral and non-polar, at codon 144 of the RGR protein (p.Ala144Val). The frequency data for this variant in the population databases is considered unreliable, as metrics indicate poor data quality at this position in the gnomAD database. In summary, the available evidence is currently insufficient to determine the role of this variant in disease. Therefore, it has been classified as a Variant of Uncertain Significance. Algorithms developed to predict the effect of missense changes on protein structure and function are either unavailable or do not agree on the potential impact of this missense change (SIFT: "Tolerated"; PolyPhen-2: "Not Available"; Align-GVGD: "Class C0"). ClinVar contains an entry for this variant (Variation ID: 1414604). This variant has not been reported in the literature in individuals affected with RGR-related conditions.